The following is an entry in ClinVar:

NM_000260.4(MYO7A):c.6625C>T (p.Arg2209Trp)

Gene: MYO7A (myosin VIIA; plus strand). Cytogenetic location: 11q13.5.
Variant type: single nucleotide variant.
Coding change: c.6625C>T on transcript NM_000260.4 (MANE Select); coding-DNA position 6625, C replaced by T.
Protein change: p.Arg2209Trp; replaces arginine 2209 with tryptophan.
Molecular consequence: missense variant.
Genome position (GRCh38, 1-based): chr11:77,214,673, C>T. VCF-style: chr11-77214673-C-T. GRCh37 (hg19) VCF-style: chr11-76925718-C-T.
Other names: c.6505C>T, p.Arg2169Trp (NM_001127180.2); c.6478C>T, p.Arg2160Trp (NM_001369365.1); c.6625C>T (NM_000260.3); short protein forms R2160W, R2169W, R2209W.
Identifiers: ClinVar variation 1450483 (VCV001450483.9), dbSNP rs771103993, ClinGen allele CA381939468.

ClinVar aggregate classification (germline): Uncertain significance. Review status: criteria provided, multiple submitters, no conflicts (2 of 4 stars). 3 submissions from 3 submitters: Uncertain significance (3). Last evaluated 2025-12-01.

Conditions:
MYO7A-related disorder. Also called: MYO7A-related disorders.

Allele frequency attached by ClinVar (database versions not stated): TOPMed 0.00003; gnomAD 0.00004.
gnomAD v4.1: 30 of 1,583,760 alleles (0.0019%); highest among the groups gnomAD compares: African/African-American, 0.0081%; no homozygotes.

Submissions (3):

PreventionGenetics, part of Exact Sciences
Classification: Uncertain significance for MYO7A-related condition. Last evaluated: 2025-12-01. Review status: criteria provided, single submitter. Criteria: ACMG Guidelines, 2015. Collection method: clinical testing. Allele origin: germline.
Comment: The MYO7A c.6625C>T variant is predicted to result in the amino acid substitution p.Arg2209Trp. To our knowledge, this variant has not been reported in the literature. This variant is reported in 0.0099% of alleles in individuals of African descent in gnomAD. At this time, the clinical significance of this variant is uncertain due to the absence of conclusive functional and genetic evidence.

Labcorp Genetics (formerly Invitae), Labcorp
Classification: Uncertain significance. Last evaluated: 2024-12-02. Review status: criteria provided, single submitter. Criteria: Invitae Variant Classification Sherloc (09022015). Collection method: clinical testing. Allele origin: germline.
Comment: This sequence change replaces arginine, which is basic and polar, with tryptophan, which is neutral and slightly polar, at codon 2209 of the MYO7A protein (p.Arg2209Trp). The frequency data for this variant in the population databases is considered unreliable, as metrics indicate poor data quality at this position in the gnomAD database. This variant has not been reported in the literature in individuals affected with MYO7A-related conditions. ClinVar contains an entry for this variant (Variation ID: 1450483). An algorithm developed to predict the effect of missense changes on protein structure and function outputs the following: PolyPhen-2: "Probably Damaging". The tryptophan amino acid residue is found in multiple mammalian species, which suggests that this missense change does not adversely affect protein function. In summary, the available evidence is currently insufficient to determine the role of this variant in disease. Therefore, it has been classified as a Variant of Uncertain Significance.

Blueprint Genetics
Classification: Uncertain significance. Last evaluated: 2021-08-24. Review status: criteria provided, single submitter. Criteria: ACMG Guidelines, 2015. Collection method: clinical testing. Allele origin: germline.